The following is an entry in ClinVar:

NM_001085487.3(MYSM1):c.1873A>C (p.Ser625Arg)

Gene: MYSM1 (Myb like, SWIRM and MPN domains 1; minus strand). Cytogenetic location: 1p32.1.
Variant type: single nucleotide variant.
Coding change: c.1873A>C on transcript NM_001085487.3 (MANE Select); coding-DNA position 1873, A replaced by C.
Protein change: p.Ser625Arg; replaces serine 625 with arginine.
Molecular consequence: missense variant.
Genome position (GRCh38, 1-based): chr1:58,667,196, T>G on the plus strand (A>C on the coding strand, the complement: MYSM1 is on the minus strand). VCF-style: chr1-58667196-T-G. GRCh37 (hg19) VCF-style: chr1-59132868-T-G.
Other names: short protein forms S625R.
Identifiers: ClinVar variation 1404552 (VCV001404552.8), dbSNP rs2100602610, ClinGen allele CA340519511.

ClinVar aggregate classification (germline): Uncertain significance (1 of 4 stars; one submission).

Submission:

Labcorp Genetics (formerly Invitae), Labcorp
Classification: Uncertain significance. Last evaluated: 2021-01-19. Review status: criteria provided, single submitter. Criteria: Invitae Variant Classification Sherloc (09022015). Collection method: clinical testing. Allele origin: germline.
Comment: This sequence change replaces serine with arginine at codon 625 of the MYSM1 protein (p.Ser625Arg). The serine residue is highly conserved and there is a moderate physicochemical difference between serine and arginine. This variant is not present in population databases (ExAC no frequency). This variant has not been reported in the literature in individuals with MYSM1-related conditions. Algorithms developed to predict the effect of missense changes on protein structure and function (SIFT, PolyPhen-2, Align-GVGD) all suggest that this variant is likely to be disruptive, but these predictions have not been confirmed by published functional studies and their clinical significance is uncertain. In summary, the available evidence is currently insufficient to determine the role of this variant in disease. Therefore, it has been classified as a Variant of Uncertain Significance.